The following is an entry in ClinVar:

ClinVar aggregate classification (germline): Uncertain significance. Review status: criteria provided, multiple submitters, no conflicts (2 of 4 stars). 3 submissions from 3 submitters: Uncertain significance (3). Last evaluated 2025-10-15.

Conditions:
Inborn genetic diseases. Identifiers: MedGen C0950123, MeSH D030342.

gnomAD v4.1: 25 of 1,614,096 alleles (0.0015%); highest among the groups gnomAD compares: Non-Finnish European, 0.0021%; no homozygotes.

Submissions (3):

GeneDx
Classification: Uncertain significance. Last evaluated: 2025-10-15. Review status: criteria provided, single submitter. Criteria: GeneDx Variant Classification Process June 2021. Collection method: clinical testing. Allele origin: germline.
Comment: Not observed at significant frequency in large population cohorts (gnomAD); In silico analysis supports that this missense variant has a deleterious effect on protein structure/function; Has not been previously published as pathogenic or benign to our knowledge

Ambry Genetics
Classification: Uncertain significance for Inborn genetic diseases. Last evaluated: 2025-08-29. Review status: criteria provided, single submitter. Criteria: Ambry Variant Classification Scheme 2023. Collection method: clinical testing. Allele origin: germline.

Labcorp Genetics (formerly Invitae), Labcorp
Classification: Uncertain significance. Last evaluated: 2024-01-04. Review status: criteria provided, single submitter. Criteria: Invitae Variant Classification Sherloc (09022015). Collection method: clinical testing. Allele origin: germline.
Comment: This sequence change replaces isoleucine, which is neutral and non-polar, with methionine, which is neutral and non-polar, at codon 1080 of the CACNA1D protein (p.Ile1080Met). This variant is present in population databases (no rsID available, gnomAD 0.0009%). This variant has not been reported in the literature in individuals affected with CACNA1D-related conditions. Advanced modeling of protein sequence and biophysical properties (such as structural, functional, and spatial information, amino acid conservation, physicochemical variation, residue mobility, and thermodynamic stability) performed at Invitae indicates that this missense variant is not expected to disrupt CACNA1D protein function with a negative predictive value of 80%. In summary, the available evidence is currently insufficient to determine the role of this variant in disease. Therefore, it has been classified as a Variant of Uncertain Significance.

NM_001128840.3(CACNA1D):c.3180C>G (p.Ile1060Met)

Gene: CACNA1D (calcium voltage-gated channel subunit alpha1 D; plus strand). Cytogenetic location: 3p21.1.
Variant type: single nucleotide variant.
Coding change: c.3180C>G on transcript NM_001128840.3 (MANE Select); coding-DNA position 3180, C replaced by G.
Protein change: p.Ile1060Met; replaces isoleucine 1060 with methionine.
Molecular consequence: missense variant.
Genome position (GRCh38, 1-based): chr3:53,747,314, C>G. VCF-style: chr3-53747314-C-G. GRCh37 (hg19) VCF-style: chr3-53781341-C-G.
Other names: c.3240C>G, p.Ile1080Met (NM_000720.4); c.3180C>G, p.Ile1060Met (NM_001128839.3); c.3240C>G (NM_000720.2); short protein forms I1060M, I1080M.
Identifiers: ClinVar variation 2829631 (VCV002829631.6), dbSNP rs563459422, ClinGen allele CA353247451.